The following is an entry in ClinVar:

ClinVar aggregate classification (germline): Likely benign. Review status: criteria provided, multiple submitters, no conflicts (2 of 4 stars). 3 submissions from 3 submitters: Likely benign (3). Last evaluated 2025-09-01.

Conditions:
TRRAP-related disorder. Also called: TRRAP-related condition.

Allele frequency attached by ClinVar (database versions not stated): gnomAD 0.00001; TOPMed 0.00005; ExAC 0.00007.
gnomAD v4.1: 40 of 1,614,022 alleles (0.0025%); highest among the groups gnomAD compares: Admixed American, 0.025%; no homozygotes.

Submissions (3):

CeGaT Center for Human Genetics Tuebingen
Classification: Likely benign. Last evaluated: 2025-09-01. Review status: criteria provided, single submitter. Criteria: CeGaT Center For Human Genetics Tuebingen Variant Classification Criteria Version 2. Collection method: clinical testing. Allele origin: germline. Affected: yes. Observed: 1 variant allele.
Comment: TRRAP: BP4, BP7

Labcorp Genetics (formerly Invitae), Labcorp
Classification: Likely benign. Last evaluated: 2025-05-30. Review status: criteria provided, single submitter. Criteria: Invitae Variant Classification Sherloc (09022015). Collection method: clinical testing. Allele origin: germline.

PreventionGenetics, part of Exact Sciences
Classification: Likely benign for TRRAP-related condition. Last evaluated: 2025-01-29. Review status: criteria provided, single submitter. Criteria: ACMG Guidelines, 2015. Collection method: clinical testing. Allele origin: germline.
Comment: This variant is classified as likely benign based on ACMG/AMP sequence variant interpretation guidelines (Richards et al. 2015 PMID: 25741868, with internal and published modifications).

NM_001375524.1(TRRAP):c.1938G>A (p.Thr646=)

Gene: TRRAP (transformation/transcription domain associated protein; plus strand). Cytogenetic location: 7q22.1.
Variant type: single nucleotide variant.
Coding change: c.1938G>A on transcript NM_001375524.1 (MANE Select); coding-DNA position 1938, G replaced by A.
Protein change: p.Thr646=; no amino-acid change (threonine 646 retained).
Molecular consequence: synonymous variant.
Genome position (GRCh38, 1-based): chr7:98,911,202, G>A. VCF-style: chr7-98911202-G-A. GRCh37 (hg19) VCF-style: chr7-98508825-G-A.
Other names: c.1938G>A (NM_003496.3); c.1938G>A, p.Thr646= (NM_001244580.2, NM_003496.4).
Identifiers: ClinVar variation 1980519 (VCV001980519.12), dbSNP rs782311635, ClinGen allele CA4359652.
Genomic context (GRCh38, chr7:98,911,202, plus strand): 5'-AGAGGAGAAGGAGGTATTGGAGCATTTCGCTGGTGTGTTCACAATGATGAACCCCTTAAC[G>A]TTCAAAGAAATCTTCCAAACTACGGTCCCTTATATGGTGGAGAGAATCTCAAAAAATTAT-3'
Protein context (NP_001362453.1, residues 636-656): AGVFTMMNPL[Thr646=]FKEIFQTTVP